The following is an entry in ClinVar:

ClinVar aggregate classification (germline): Uncertain significance (1 of 4 stars; one submission).

Conditions:
CFTR-related disorder (CFTR-RD). Also called: CFTR-related disorders; CFTR-related condition. Identifiers: MedGen C5924204, MONDO:7770004.

gnomAD v4.1: 1 of 1,613,900 alleles (0.000062%); highest among the groups gnomAD compares: Non-Finnish European, 0.000085%; no homozygotes.

Submission:

PreventionGenetics, part of Exact Sciences
Classification: Uncertain significance for CFTR-related condition. Last evaluated: 2026-02-04. Review status: criteria provided, single submitter. Criteria: ACMG Guidelines, 2015. Collection method: clinical testing. Allele origin: germline.
Comment: The CFTR c.1994C>A variant is predicted to result in the amino acid substitution p.Thr665Asn. To our knowledge, this variant has not been reported in the literature or in a large population database (gnomAD), indicating this variant is rare. At this time, the clinical significance of this variant is uncertain due to the absence of conclusive functional and genetic evidence.

NM_000492.4(CFTR):c.1994C>A (p.Thr665Asn)

Gene: CFTR (CF transmembrane conductance regulator; plus strand). Cytogenetic location: 7q31.2.
Variant type: single nucleotide variant.
Coding change: c.1994C>A on transcript NM_000492.4 (MANE Select); coding-DNA position 1994, C replaced by A.
Protein change: p.Thr665Asn; replaces threonine 665 with asparagine.
Molecular consequence: missense variant.
Genome position (GRCh38, 1-based): chr7:117,592,161, C>A. VCF-style: chr7-117592161-C-A. GRCh37 (hg19) VCF-style: chr7-117232215-C-A.
Other names: short protein forms T665N.
Identifiers: ClinVar variation 4990932 (VCV004990932.1).
Genomic context (GRCh38, chr7:117,592,161, plus strand): 5'-TGGGATGTGATTCTTTCGACCAATTTAGTGCAGAAAGAAGAAATTCAATCCTAACTGAGA[C>A]CTTACACCGTTTCTCATTAGAAGGAGATGCTCCTGTCTCCTGGACAGAAACAAAAAAACA-3'
Protein context (NP_000483.3, residues 655-675): AERRNSILTE[Thr665Asn]LHRFSLEGDA